The following is an entry in ClinVar:

ClinVar aggregate classification (germline): Uncertain significance (1 of 4 stars; one submission).

Conditions:
Retinitis pigmentosa 59 (RP59). Identifiers: Orphanet 791, MedGen C3151227, MONDO:0013468, OMIM 613861.

Allele frequency attached by ClinVar (database versions not stated): gnomAD exomes below 0.00001; ExAC 0.00001; gnomAD 0.00001; TOPMed 0.00001; ESP Exome Variant Server 0.00008.
gnomAD v4.1: 7 of 1,613,796 alleles (0.00043%); highest among the groups gnomAD compares: Non-Finnish European, 0.00051%; no homozygotes.

Submission:

Labcorp Genetics (formerly Invitae), Labcorp
Classification: Uncertain significance for Retinitis pigmentosa 59. Last evaluated: 2023-07-08. Review status: criteria provided, single submitter. Criteria: Invitae Variant Classification Sherloc (09022015). Collection method: clinical testing. Allele origin: germline.
Comment: In summary, the available evidence is currently insufficient to determine the role of this variant in disease. Therefore, it has been classified as a Variant of Uncertain Significance. Advanced modeling of protein sequence and biophysical properties (such as structural, functional, and spatial information, amino acid conservation, physicochemical variation, residue mobility, and thermodynamic stability) performed at Invitae indicates that this missense variant is not expected to disrupt DHDDS protein function. This variant has not been reported in the literature in individuals affected with DHDDS-related conditions. This variant is present in population databases (rs368777591, gnomAD 0.0009%). This sequence change replaces lysine, which is basic and polar, with glutamic acid, which is acidic and polar, at codon 110 of the DHDDS protein (p.Lys110Glu).

NM_205861.3(DHDDS):c.328A>G (p.Lys110Glu)

Gene: DHDDS (dehydrodolichyl diphosphate synthase subunit; plus strand). Cytogenetic location: 1p36.11.
Variant type: single nucleotide variant.
Coding change: c.328A>G on transcript NM_205861.3 (MANE Select); coding-DNA position 328, A replaced by G.
Protein change: p.Lys110Glu; replaces lysine 110 with glutamic acid.
Molecular consequence: missense variant. On other transcripts: intron variant (1).
Genome position (GRCh38, 1-based): chr1:26,446,320, A>G. VCF-style: chr1-26446320-A-G. GRCh37 (hg19) VCF-style: chr1-26772811-A-G.
Other names: c.328A>G, p.Lys110Glu (NM_001243564.2, NM_024887.4); c.49A>G, p.Lys17Glu (NM_001319959.2); c.324-1239A>G (NM_001243565.2); short protein forms K17E, K110E.
Identifiers: ClinVar variation 2778825 (VCV002778825.3), dbSNP rs368777591, ClinGen allele CA705316.